The following is an entry in ClinVar:

NM_138694.4(PKHD1):c.10393_10394insG (p.Ile3465fs)

Gene: PKHD1 (PKHD1 ciliary IPT domain containing fibrocystin/polyductin; minus strand). Cytogenetic location: 6p12.3.
Variant type: Insertion.
Coding change: c.10393_10394insG on transcript NM_138694.4 (MANE Select); coding-DNA positions 10393 to 10394, G inserted.
Protein change: p.Ile3465fs; shifts the reading frame from isoleucine 3465.
Molecular consequence: frameshift variant.
Genome position: GRCh38 VCF-style: chr6-51659732-A-AC. GRCh37 (hg19) VCF-style: chr6-51524530-A-AC.
Other names: short protein forms I3465fs.
Identifiers: ClinVar variation 2711212 (VCV002711212.4), dbSNP rs2533450792, ClinGen allele CA2697553457.

ClinVar aggregate classification (germline): Pathogenic/Likely pathogenic. Review status: criteria provided, multiple submitters, no conflicts (2 of 4 stars). 2 submissions from 2 submitters: Pathogenic (1); Likely pathogenic (1). Last evaluated 2024-02-22.

Conditions:
Autosomal recessive polycystic kidney disease (ARPKD). Also called: AR polycystic kidney disease. Identifiers: Orphanet 731, Orphanet 8378, MedGen C0085548, MeSH D017044, MONDO:0009889.
Polycystic kidney disease 4 (PKD4). Also called: POLYCYSTIC KIDNEY AND HEPATIC DISEASE 1; POLYCYSTIC KIDNEY DISEASE, INFANTILE, TYPE I; PKD3; POLYCYSTIC KIDNEY DISEASE 4 WITH OR WITHOUT POLYCYSTIC LIVER DISEASE; Autosomal Recessive Polycystic Kidney Disease – PKHD1. Identifiers: MedGen C4540575, MONDO:0033004, OMIM 263200.

Submissions (2):

Baylor Genetics
Classification: Likely pathogenic for Polycystic kidney disease 4. Last evaluated: 2024-02-22. Review status: criteria provided, single submitter. Criteria: ACMG Guidelines, 2015. Collection method: clinical testing. Allele origin: unknown.

Labcorp Genetics (formerly Invitae), Labcorp
Classification: Pathogenic for Autosomal recessive polycystic kidney disease. Last evaluated: 2024-01-25. Review status: criteria provided, single submitter. Criteria: Invitae Variant Classification Sherloc (09022015). Collection method: clinical testing. Allele origin: germline.
Comment: This sequence change creates a premature translational stop signal (p.Ile3465Serfs*38) in the PKHD1 gene. It is expected to result in an absent or disrupted protein product. Loss-of-function variants in PKHD1 are known to be pathogenic (PMID: 19940839). This variant is not present in population databases (gnomAD no frequency). This variant has not been reported in the literature in individuals affected with PKHD1-related conditions. For these reasons, this variant has been classified as Pathogenic.

Literature cited by the submitters: PubMed 19940839 (cited by Labcorp Genetics (formerly Invitae), Labcorp).